The following is an entry in ClinVar:

NM_003263.4(TLR1):c.1482A>G (p.Val494=)

Gene: TLR1 (toll like receptor 1; minus strand). Cytogenetic location: 4p14.
Variant type: single nucleotide variant.
Coding change: c.1482A>G on transcript NM_003263.4 (MANE Select); coding-DNA position 1482, A replaced by G.
Protein change: p.Val494=; no amino-acid change (valine 494 retained).
Molecular consequence: synonymous variant.
Genome position (GRCh38, 1-based): chr4:38,797,350, T>C on the plus strand (A>G on the coding strand, the complement: TLR1 is on the minus strand). VCF-style: chr4-38797350-T-C. GRCh37 (hg19) VCF-style: chr4-38798971-T-C.
Identifiers: ClinVar variation 787976 (VCV000787976.6), dbSNP rs143576719, ClinGen allele CA2889350.

ClinVar aggregate classification (germline): Benign. Review status: criteria provided, multiple submitters, no conflicts (2 of 4 stars). 3 submissions from 3 submitters: Benign (2). 1 of the submissions does not count toward it. Last evaluated 2018-05-18.

Conditions:
TLR1-related disorder. Also called: TLR1-related condition.

Allele frequency attached by ClinVar (database versions not stated): ESP Exome Variant Server 0.00008; gnomAD 0.00276 and 0.00399; gnomAD exomes 0.00321 and 0.00913; TOPMed 0.00555; ExAC 0.00921; 1000 Genomes Project 30x 0.01874; 1000 Genomes Project 0.01977.
gnomAD v4.1: 5,282 of 1,614,102 alleles (0.33%); highest among the groups gnomAD compares: East Asian, 10%; 261 homozygotes.

Submissions (3):

Labcorp Genetics (formerly Invitae), Labcorp
Classification: Benign. Last evaluated: 2018-05-18. Review status: criteria provided, single submitter. Criteria: Invitae Variant Classification Sherloc (09022015). Collection method: clinical testing. Allele origin: germline.

Breakthrough Genomics
Classification: Benign. Review status: criteria provided, single submitter. Criteria: ACMG Guidelines, 2015. Collection method: not provided. Allele origin: germline. Inheritance: Unknown mechanism. Affected: yes.

PreventionGenetics, part of Exact Sciences
Classification: Likely benign for TLR1-related condition. Last evaluated: 2019-10-31. Review status: no assertion criteria provided. Collection method: clinical testing. Allele origin: germline. Not counted in ClinVar's aggregate classification.
Comment: This variant is classified as likely benign based on ACMG/AMP sequence variant interpretation guidelines (Richards et al. 2015 PMID: 25741868, with internal and published modifications).